The following is an entry in ClinVar:

ClinVar aggregate classification (germline): Uncertain significance (1 of 4 stars; one submission).

Conditions:
Mitochondrial hypertrophic cardiomyopathy with lactic acidosis due to MTO1 deficiency. Also called: Combined oxidative phosphorylation deficiency 10; CARDIOMYOPATHY, INFANTILE HYPERTROPHIC MITOCHONDRIAL, AND LACTIC ACIDOSIS. Identifiers: Orphanet 314637, MedGen C4749921, MONDO:0013865, OMIM 614702.

Allele frequency attached by ClinVar (database versions not stated): gnomAD exomes 0.00001.
gnomAD v4.1: 23 of 1,613,910 alleles (0.0014%); highest among the groups gnomAD compares: Non-Finnish European, 0.0018%; no homozygotes.

Submission:

Labcorp Genetics (formerly Invitae), Labcorp
Classification: Uncertain significance for Mitochondrial hypertrophic cardiomyopathy with lactic acidosis due to MTO1 deficiency. Last evaluated: 2021-09-17. Review status: criteria provided, single submitter. Criteria: Invitae Variant Classification Sherloc (09022015). Collection method: clinical testing. Allele origin: germline.
Comment: This sequence change replaces glutamine with glutamic acid at codon 381 of the MTO1 protein (p.Gln381Glu). The glutamine residue is moderately conserved and there is a small physicochemical difference between glutamine and glutamic acid. This variant is not present in population databases (ExAC no frequency). This variant has not been reported in the literature in individuals with MTO1-related conditions. Algorithms developed to predict the effect of missense changes on protein structure and function are either unavailable or do not agree on the potential impact of this missense change (SIFT: "Tolerated"; PolyPhen-2: "Probably Damaging"; Align-GVGD: "Class C0"). In summary, the available evidence is currently insufficient to determine the role of this variant in disease. Therefore, it has been classified as a Variant of Uncertain Significance.

NM_012123.4(MTO1):c.1141C>G (p.Gln381Glu)

Gene: MTO1 (mitochondrial tRNA translation optimization 1; plus strand). Cytogenetic location: 6q13.
Variant type: single nucleotide variant.
Coding change: c.1141C>G on transcript NM_012123.4 (MANE Select); coding-DNA position 1141, C replaced by G.
Protein change: p.Gln381Glu; replaces glutamine 381 with glutamic acid.
Molecular consequence: missense variant.
Genome position (GRCh38, 1-based): chr6:73,480,686, C>G. VCF-style: chr6-73480686-C-G. GRCh37 (hg19) VCF-style: chr6-74190409-C-G.
Other names: c.1141C>G, p.Gln381Glu (NM_001123226.2); c.1216C>G, p.Gln406Glu (NM_133645.3); short protein forms Q406E, Q381E.
Identifiers: ClinVar variation 1473844 (VCV001473844.5), dbSNP rs1771463297, ClinGen allele CA364715197.
Genomic context (GRCh38, chr6:73,480,686, plus strand): 5'-CAAATCCAGCTCTGTATTTACTTATTTAATGTCTTTGTTCTTTGGTCAGGCTACGGTGTT[C>G]AGTATGATTACTTAGATCCCCGTCAGATCACCCCTTCCTTGGAGACTCATTTGGTTCAAC-3'
Protein context (NP_036255.2, residues 371-391): AKVIQPGYGV[Gln381Glu]YDYLDPRQIT